The following is an entry in ClinVar:

NM_032043.3(BRIP1):c.1010T>C (p.Ile337Thr)

Gene: BRIP1 (BRCA1 interacting DNA helicase 1; minus strand). Cytogenetic location: 17q23.2.
Variant type: single nucleotide variant.
Coding change: c.1010T>C on transcript NM_032043.3 (MANE Select); coding-DNA position 1010, T replaced by C.
Protein change: p.Ile337Thr; replaces isoleucine 337 with threonine.
Molecular consequence: missense variant.
Genome position (GRCh38, 1-based): chr17:61,801,383, A>G on the plus strand (T>C on the coding strand, the complement: BRIP1 is on the minus strand). VCF-style: chr17-61801383-A-G. GRCh37 (hg19) VCF-style: chr17-59878744-A-G.
Other names: short protein forms I337T.
Identifiers: ClinVar variation 954154 (VCV000954154.13), dbSNP rs2077990704, ClinGen allele CA400484119.

ClinVar aggregate classification (germline): Uncertain significance. Review status: criteria provided, multiple submitters, no conflicts (2 of 4 stars). 2 submissions from 2 submitters: Uncertain significance (2). Last evaluated 2025-09-30.

Conditions:
Familial cancer of breast. Also called: Hereditary breast cancer; hereditary breast carcinoma; BREAST CANCER, FAMILIAL. Identifiers: Orphanet 227535, MedGen C0346153, MONDO:0016419, OMIM 114480. Disease mechanism: loss of function.
Fanconi anemia complementation group J. Also called: BRIP1-Related Fanconi Anemia. Identifiers: Orphanet 84, MedGen C1836860, MONDO:0012187, OMIM 609054.
Hereditary cancer-predisposing syndrome. Also called: Hereditary neoplastic syndrome; Tumor predisposition; Neoplastic Syndromes, Hereditary; Hereditary Cancer Syndrome. Identifiers: Orphanet 140162, MedGen C0027672, MeSH D009386, MONDO:0015356.

Submissions (2):

Labcorp Genetics (formerly Invitae), Labcorp
Classification: Uncertain significance for Familial cancer of breast; Fanconi anemia complementation group J. Last evaluated: 2025-09-30. Review status: criteria provided, single submitter. Criteria: Invitae Variant Classification Sherloc (09022015). Collection method: clinical testing. Allele origin: germline.
Comment: This sequence change replaces isoleucine, which is neutral and non-polar, with threonine, which is neutral and polar, at codon 337 of the BRIP1 protein (p.Ile337Thr). This variant is not present in population databases (gnomAD no frequency). This variant has not been reported in the literature in individuals affected with BRIP1-related conditions. ClinVar contains an entry for this variant (Variation ID: 954154). Invitae Evidence Modeling of protein sequence and biophysical properties (such as structural, functional, and spatial information, amino acid conservation, physicochemical variation, residue mobility, and thermodynamic stability) indicates that this missense variant is expected to disrupt BRIP1 protein function with a positive predictive value of 95%. In summary, the available evidence is currently insufficient to determine the role of this variant in disease. Therefore, it has been classified as a Variant of Uncertain Significance.

Ambry Genetics
Classification: Uncertain significance for Hereditary cancer-predisposing syndrome. Last evaluated: 2021-03-07. Review status: criteria provided, single submitter. Criteria: Ambry Variant Classification Scheme 2023. Collection method: clinical testing. Allele origin: germline.
Comment: The p.I337T variant (also known as c.1010T>C), located in coding exon 7 of the BRIP1 gene, results from a T to C substitution at nucleotide position 1010. The isoleucine at codon 337 is replaced by threonine, an amino acid with similar properties. This amino acid position is highly conserved in available vertebrate species. In addition, this alteration is predicted to be deleterious by in silico analysis. Since supporting evidence is limited at this time, the clinical significance of this alteration remains unclear.